The following is an entry in ClinVar:

NM_024496.4(IRF2BPL):c.29G>A (p.Arg10Gln)

Genes: IRF2BPL (interferon regulatory factor 2 binding protein like; minus strand), LOC107984638 (uncharacterized LOC107984638; plus strand). Cytogenetic location: 14q24.3.
Variant type: single nucleotide variant.
Coding change: c.29G>A on transcript NM_024496.4 (MANE Select); coding-DNA position 29, G replaced by A.
Protein change: p.Arg10Gln; replaces arginine 10 with glutamine.
Molecular consequence: missense variant. On other transcripts: non-coding transcript variant (3).
Genome position (GRCh38, 1-based): chr14:77,027,764, C>T on the plus strand (G>A on the coding strand, the complement: IRF2BPL is on the minus strand). VCF-style: chr14-77027764-C-T. GRCh37 (hg19) VCF-style: chr14-77494107-C-T.
Other names: short protein forms R10Q.
Identifiers: ClinVar variation 4997848 (VCV004997848.1).

ClinVar aggregate classification (germline): Uncertain significance (1 of 4 stars; one submission).

Conditions:
IRF2BPL-related disorder. Also called: IRF2BPL-related condition. Identifiers: MedGen CN381093.

gnomAD v4.1: 2 of 1,595,602 alleles (0.00013%); highest among the groups gnomAD compares: Non-Finnish European, 0.00017%; no homozygotes.

Submission:

PreventionGenetics, part of Exact Sciences
Classification: Uncertain significance for IRF2BPL-related condition. Last evaluated: 2025-07-16. Review status: criteria provided, single submitter. Criteria: ACMG Guidelines, 2015. Collection method: clinical testing. Allele origin: germline.
Comment: The IRF2BPL c.29G>A variant is predicted to result in the amino acid substitution p.Arg10Gln. To our knowledge, this variant has not been reported in the literature or in a large population database (gnomAD), indicating this variant is rare. At this time, the clinical significance of this variant is uncertain due to the absence of conclusive functional and genetic evidence.